The following is an entry in ClinVar:

ClinVar aggregate classification (germline): Likely pathogenic (1 of 4 stars; one submission).

Conditions:
Gorlin syndrome. Also called: Nevoid Basal Cell Carcinoma Syndrome; Basal cell nevus syndrome. Identifiers: Orphanet 377, MedGen C0004779, MONDO:0007187.

Submission:

Labcorp Genetics (formerly Invitae), Labcorp
Classification: Likely pathogenic for Gorlin syndrome. Last evaluated: 2021-10-27. Review status: criteria provided, single submitter. Criteria: Invitae Variant Classification Sherloc (09022015). Collection method: clinical testing. Allele origin: germline.
Comment: In summary, the currently available evidence indicates that the variant is pathogenic, but additional data are needed to prove that conclusively. Therefore, this variant has been classified as Likely Pathogenic. Advanced modeling of protein sequence and biophysical properties (such as structural, functional, and spatial information, amino acid conservation, physicochemical variation, residue mobility, and thermodynamic stability) performed at Invitae indicates that this missense variant is expected to disrupt PTCH1 protein function. ClinVar contains an entry for this variant (Variation ID: 666031). This missense change has been observed in individuals with clinical features of nevoid basal cell carcinoma syndrome (NBCCS) (PMID: 24204797; Invitae). This variant is not present in population databases (gnomAD no frequency). This sequence change replaces glycine, a(n) neutral and non-polar amino acid, with arginine, a(n) basic and polar amino acid, at codon 511 of the PTCH1 protein (p.Gly511Arg).

Literature cited by the submitters: PubMed 24204797.

NM_000264.5(PTCH1):c.1531G>C (p.Gly511Arg)

Gene: PTCH1 (patched 1; minus strand). Cytogenetic location: 9q22.32.
Variant type: single nucleotide variant.
Coding change: c.1531G>C on transcript NM_000264.5 (MANE Select); coding-DNA position 1531, G replaced by C.
Protein change: p.Gly511Arg; replaces glycine 511 with arginine.
Molecular consequence: missense variant. On other transcripts: non-coding transcript variant (1).
Genome position (GRCh38, 1-based): chr9:95,476,830, C>G on the plus strand (G>C on the coding strand, the complement: PTCH1 is on the minus strand). VCF-style: chr9-95476830-C-G. GRCh37 (hg19) VCF-style: chr9-98239112-C-G.
Other names: c.1333G>C, p.Gly445Arg (NM_001083602.3); c.1528G>C, p.Gly510Arg (NM_001083603.3); c.1078G>C, p.Gly360Arg (NM_001083604.3, NM_001083605.3, NM_001083606.3 and 1 more transcripts); c.1375G>C, p.Gly459Arg (NM_001354918.2); short protein forms G445R, G459R, G510R, G511R, G360R.
Identifiers: ClinVar variation 666031 (VCV000666031.7), dbSNP rs1588598613, ClinGen allele CA374118302.